The following is an entry in ClinVar:

NM_015271.5(TRIM2):c.568G>A (p.Ala190Thr)

Gene: TRIM2 (tripartite motif containing 2; plus strand). Cytogenetic location: 4q31.3.
Variant type: single nucleotide variant.
Coding change: c.568G>A on transcript NM_015271.5 (MANE Select); coding-DNA position 568, G replaced by A.
Protein change: p.Ala190Thr; replaces alanine 190 with threonine.
Molecular consequence: missense variant. On other transcripts: intron variant (2).
Genome position (GRCh38, 1-based): chr4:153,293,096, G>A. VCF-style: chr4-153293096-G-A. GRCh37 (hg19) VCF-style: chr4-154214248-G-A.
Other names: c.487G>A, p.Ala163Thr (NM_001130067.2, NM_001351056.2, NM_001375512.1 and 5 more transcripts); c.541G>A, p.Ala181Thr (NM_001351054.2); c.538G>A, p.Ala180Thr (NM_001351055.2); c.112G>A, p.Ala38Thr (NM_001351057.2); c.661G>A, p.Ala221Thr (NM_001375488.1); c.658G>A, p.Ala220Thr (NM_001375489.1); c.568G>A, p.Ala190Thr (NM_001375490.1); c.565G>A, p.Ala189Thr (NM_001375491.1); and 3 more; short protein forms A180T, A221T, A38T, A77T, A181T, A163T, A190T, A189T.
Identifiers: ClinVar variation 941240 (VCV000941240.4), dbSNP rs1316458872, ClinGen allele CA358471408.

ClinVar aggregate classification (germline): Uncertain significance (1 of 4 stars; one submission).

Conditions:
Charcot-Marie-Tooth disease type 2R. Also called: CHARCOT-MARIE-TOOTH DISEASE, AXONAL, AUTOSOMAL RECESSIVE, TYPE 2R; Charcot-Marie-Tooth disease, axonal, type 2R; CHARCOT-MARIE-TOOTH NEUROPATHY, TYPE 2R. Identifiers: Orphanet 397968, MedGen C3809655, MONDO:0014208, OMIM 615490.

Allele frequency attached by ClinVar (database versions not stated): gnomAD exomes below 0.00001; TOPMed below 0.00001; gnomAD 0.00001.

Submission:

Labcorp Genetics (formerly Invitae), Labcorp
Classification: Uncertain significance for Charcot-Marie-Tooth disease type 2R. Last evaluated: 2025-10-02. Review status: criteria provided, single submitter. Criteria: Invitae Variant Classification Sherloc (09022015). Collection method: clinical testing. Allele origin: germline.
Comment: This sequence change replaces alanine, which is neutral and non-polar, with threonine, which is neutral and polar, at codon 163 of the TRIM2 protein (p.Ala163Thr). This variant is not present in population databases (gnomAD no frequency). This variant has not been reported in the literature in individuals affected with TRIM2-related conditions. ClinVar contains an entry for this variant (Variation ID: 941240). An algorithm developed to predict the effect of missense changes on protein structure and function (PolyPhen-2) suggests that this variant is likely to be tolerated. In summary, the available evidence is currently insufficient to determine the role of this variant in disease. Therefore, it has been classified as a Variant of Uncertain Significance.